The following is an entry in ClinVar:

NM_004304.5(ALK):c.185C>G (p.Ser62Trp)

Gene: ALK (ALK receptor tyrosine kinase; minus strand). Cytogenetic location: 2p23.1.
Variant type: single nucleotide variant.
Coding change: c.185C>G on transcript NM_004304.5 (MANE Select); coding-DNA position 185, C replaced by G.
Protein change: p.Ser62Trp; replaces serine 62 with tryptophan.
Molecular consequence: missense variant.
Genome position (GRCh38, 1-based): chr2:29,920,475, G>C on the plus strand (C>G on the coding strand, the complement: ALK is on the minus strand). VCF-style: chr2-29920475-G-C. GRCh37 (hg19) VCF-style: chr2-30143341-G-C.
Other names: short protein forms S62W.
Identifiers: ClinVar variation 2762360 (VCV002762360.3), dbSNP rs1572503765, ClinGen allele CA346590527.

ClinVar aggregate classification (germline): Uncertain significance (1 of 4 stars; one submission).

Conditions:
Neuroblastoma, susceptibility to, 3. Also called: ALK-Related Neuroblastic Tumor Susceptibility. Identifiers: Orphanet 635, MedGen C2751681, MONDO:0013083, OMIM 613014.

Submission:

Labcorp Genetics (formerly Invitae), Labcorp
Classification: Uncertain significance for Neuroblastoma, susceptibility to, 3. Last evaluated: 2023-09-21. Review status: criteria provided, single submitter. Criteria: Invitae Variant Classification Sherloc (09022015). Collection method: clinical testing. Allele origin: germline.
Comment: This sequence change replaces serine, which is neutral and polar, with tryptophan, which is neutral and slightly polar, at codon 62 of the ALK protein (p.Ser62Trp). This variant is not present in population databases (gnomAD no frequency). In summary, the available evidence is currently insufficient to determine the role of this variant in disease. Therefore, it has been classified as a Variant of Uncertain Significance. An algorithm developed to predict the effect of missense changes on protein structure and function (PolyPhen-2) suggests that this variant is likely to be disruptive. This variant has not been reported in the literature in individuals affected with ALK-related conditions.